The following is an entry in ClinVar:

NM_000156.6(GAMT):c.128A>G (p.Glu43Gly)

Genes: GAMT (guanidinoacetate N-methyltransferase; minus strand), LOC130062945 (ATAC-STARR-seq lymphoblastoid silent region 9707; plus strand). Cytogenetic location: 19p13.3.
Variant type: single nucleotide variant.
Coding change: c.128A>G on transcript NM_000156.6 (MANE Select); coding-DNA position 128, A replaced by G.
Protein change: p.Glu43Gly; replaces glutamic acid 43 with glycine.
Molecular consequence: missense variant.
Genome position (GRCh38, 1-based): chr19:1,401,349, T>C on the plus strand (A>G on the coding strand, the complement: GAMT is on the minus strand). VCF-style: chr19-1401349-T-C. GRCh37 (hg19) VCF-style: chr19-1401348-T-C.
Other names: p.E43G:GAG>GGG; c.128A>G, p.Glu43Gly (NM_138924.3); short protein forms E43G.
Identifiers: ClinVar variation 205602 (VCV000205602.2), dbSNP rs796052532, ClinGen allele CA314848.

ClinVar aggregate classification (germline): Uncertain significance (1 of 4 stars; one submission).

Allele frequency attached by ClinVar (database versions not stated): gnomAD exomes below 0.00001.
gnomAD v4.1: 1 of 1,536,862 alleles (0.000065%); highest among the groups gnomAD compares: Non-Finnish European, 0.000087%; no homozygotes.

Submission:

GeneDx
Classification: Uncertain significance. Last evaluated: 2012-08-10. Review status: criteria provided, single submitter. Criteria: GeneDx Variant Classification (06012015). Collection method: clinical testing. Allele origin: germline. Affected: yes.
Comment: p.Glu43Gly (GAG>GGG):c.128 A>G in exon 1 of the GAMT gene (NM_000156.4) The Glu43Gly missense change has not been published as a mutation, nor has it been reported as a benign polymorphism to our knowledge. The NHLBI ESP Exome Variant Project has not identified Glu43Gly in approximately 6,200 individuals of European or African American ethnicity, indicating that it is not a common benign variant in these populations. The amino acid substitution is non-conservative, as a negatively charged Glutamic acid is replaced by an uncharged, non-polar Glycine. Glu43Gly alters a position that is highly conserved across species and in related proteins. Several in silico models predict Glu43Gly may be damaging to protein structure/function, although another suggests it may not be pathogenic. Based on the currently available information, it is unclear whether Glu43Gly is a disease-causing mutation or a rare benign variant. The variant is found in CHILD-EPI panel(s).